The following is an entry in ClinVar:

NM_012123.4(MTO1):c.1561A>G (p.Ile521Val)

Gene: MTO1 (mitochondrial tRNA translation optimization 1; plus strand). Cytogenetic location: 6q13.
Variant type: single nucleotide variant.
Coding change: c.1561A>G on transcript NM_012123.4 (MANE Select); coding-DNA position 1561, A replaced by G.
Protein change: p.Ile521Val; replaces isoleucine 521 with valine.
Molecular consequence: missense variant.
Genome position (GRCh38, 1-based): chr6:73,482,544, A>G. VCF-style: chr6-73482544-A-G. GRCh37 (hg19) VCF-style: chr6-74192267-A-G.
Other names: c.1681A>G, p.Ile561Val (NM_001123226.2); c.1636A>G, p.Ile546Val (NM_133645.3); short protein forms I546V, I561V, I521V.
Identifiers: ClinVar variation 1974178 (VCV001974178.4), dbSNP rs1369526349, ClinGen allele CA364717525.

ClinVar aggregate classification (germline): Uncertain significance (1 of 4 stars; one submission).

Conditions:
Mitochondrial hypertrophic cardiomyopathy with lactic acidosis due to MTO1 deficiency. Also called: CARDIOMYOPATHY, INFANTILE HYPERTROPHIC MITOCHONDRIAL, AND LACTIC ACIDOSIS; Combined oxidative phosphorylation deficiency 10. Identifiers: Orphanet 314637, MedGen C4749921, MONDO:0013865, OMIM 614702.

Allele frequency attached by ClinVar (database versions not stated): gnomAD exomes below 0.00001; TOPMed below 0.00001; gnomAD 0.00001.
gnomAD v4.1: 3 of 1,612,314 alleles (0.00019%); highest among the groups gnomAD compares: African/African-American, 0.0027%; no homozygotes.

Submission:

Labcorp Genetics (formerly Invitae), Labcorp
Classification: Uncertain significance for Mitochondrial hypertrophic cardiomyopathy with lactic acidosis due to MTO1 deficiency. Last evaluated: 2025-01-27. Review status: criteria provided, single submitter. Criteria: Invitae Variant Classification Sherloc (09022015). Collection method: clinical testing. Allele origin: germline.
Comment: This sequence change replaces isoleucine, which is neutral and non-polar, with valine, which is neutral and non-polar, at codon 521 of the MTO1 protein (p.Ile521Val). This variant is present in population databases (no rsID available, gnomAD 0.02%). This variant has not been reported in the literature in individuals affected with MTO1-related conditions. ClinVar contains an entry for this variant (Variation ID: 1974178). Invitae Evidence Modeling of protein sequence and biophysical properties (such as structural, functional, and spatial information, amino acid conservation, physicochemical variation, residue mobility, and thermodynamic stability) indicates that this missense variant is not expected to disrupt MTO1 protein function with a negative predictive value of 95%. In summary, the available evidence is currently insufficient to determine the role of this variant in disease. Therefore, it has been classified as a Variant of Uncertain Significance.